The following is an entry in ClinVar:

NM_016203.4(PRKAG2):c.859_863del (p.Leu287fs)

Gene: PRKAG2 (protein kinase AMP-activated non-catalytic subunit gamma 2; minus strand). Cytogenetic location: 7q36.1.
Variant type: Deletion.
Coding change: c.859_863del on transcript NM_016203.4 (MANE Select); coding-DNA positions 859 to 863, 5 bases deleted (TTACA; older notation c.859_863delTTACA).
Protein change: p.Leu287fs; shifts the reading frame from leucine 287.
Molecular consequence: frameshift variant.
Genome position (GRCh38, 1-based): chr7:151,595,346-151,595,350, TGTAA deleted on the plus strand (TTACA on the coding strand, the reverse complement: PRKAG2 is on the minus strand); deleting any 5 consecutive bases within chr7:151,595,346-151,595,354 gives the same sequence; the c. name uses the placement nearest the transcript's 3' end. VCF-style (leftmost placement, unchanged base first): chr7-151595345-TTGTAA-T. GRCh37 (hg19) VCF-style: chr7-151292431-TTGTAA-T.
Other names: c.727_731del, p.Leu243fs (NM_001040633.2, NM_001407024.1); c.484_488del, p.Leu162fs (NM_001304527.2, NM_001407029.1); c.136_140del, p.Leu46fs (NM_001304531.2, NM_001407034.1, NM_001407035.1 and 1 more transcripts); c.487_491del, p.Leu163fs (NM_001363698.2, NM_001407028.1); c.859_863del, p.Leu287fs (NM_001407021.1); c.856_860del, p.Leu286fs (NM_001407022.1, NM_001407023.1); c.724_728del, p.Leu242fs (NM_001407026.1, NM_001407027.1); c.571_575del, p.Leu191fs (NM_001407030.1); and 6 more; short protein forms L162fs, L163fs, L179fs, L181fs, L190fs, L191fs, L242fs, L243fs.
Identifiers: ClinVar variation 3070051 (VCV003070051.1), dbSNP rs778295579, ClinGen allele CA058483.

ClinVar aggregate classification (germline): Uncertain significance (1 of 4 stars; one submission).

Conditions:
Hypertrophic cardiomyopathy. Also called: HYPERTROPHIC MYOCARDIOPATHY. Identifiers: Orphanet 217569, MedGen C0007194, MeSH D002312, MONDO:0005045, HP:0001639.

Submission:

All of Us Research Program, National Institutes of Health
Classification: Uncertain significance for Hypertrophic cardiomyopathy. Last evaluated: 2023-04-03. Review status: criteria provided, single submitter. Criteria: ACMG Guidelines, 2015. Collection method: clinical testing. Allele origin: germline. Inheritance: Autosomal dominant inheritance. Observed: 1 variant allele, 1 heterozygote.
Comment: This study involves interpretation of variants in research participants for the purpose of population health screening. Participant phenotype was not available at the time of variant classification. Additional details can be found in publication PMID: 35346344, PMCID: PMC8962531